The following is an entry in ClinVar:

ClinVar aggregate classification (germline): Uncertain significance (1 of 4 stars; one submission).

Conditions:
MEGF8-related Carpenter syndrome. Also called: Carpenter syndrome 2. Identifiers: Orphanet 65759, MedGen C3554247, MONDO:0013998, OMIM 614976.

Allele frequency attached by ClinVar (database versions not stated): gnomAD exomes below 0.00001.
gnomAD v4.1: 2 of 1,606,644 alleles (0.00012%); highest among the groups gnomAD compares: Admixed American, 0.0033%; no homozygotes.

Submission:

Labcorp Genetics (formerly Invitae), Labcorp
Classification: Uncertain significance for MEGF8-related Carpenter syndrome. Last evaluated: 2020-10-25. Review status: criteria provided, single submitter. Criteria: Invitae Variant Classification Sherloc (09022015). Collection method: clinical testing. Allele origin: germline.
Comment: In summary, the available evidence is currently insufficient to determine the role of this variant in disease. Therefore, it has been classified as a Variant of Uncertain Significance. Algorithms developed to predict the effect of missense changes on protein structure and function (SIFT, PolyPhen-2, Align-GVGD) all suggest that this variant is likely to be tolerated, but these predictions have not been confirmed by published functional studies and their clinical significance is uncertain. This variant has not been reported in the literature in individuals with MEGF8-related disease. This variant is not present in population databases (ExAC no frequency). This sequence change replaces valine with glutamic acid at codon 827 of the MEGF8 protein (p.Val827Glu). The valine residue is moderately conserved and there is a moderate physicochemical difference between valine and glutamic acid.

NM_001271938.2(MEGF8):c.2681T>A (p.Val894Glu)

Gene: MEGF8 (multiple EGF like domains 8; plus strand). Cytogenetic location: 19q13.2.
Variant type: single nucleotide variant.
Coding change: c.2681T>A on transcript NM_001271938.2 (MANE Select); coding-DNA position 2681, T replaced by A.
Protein change: p.Val894Glu; replaces valine 894 with glutamic acid.
Molecular consequence: missense variant.
Genome position (GRCh38, 1-based): chr19:42,350,329, T>A. VCF-style: chr19-42350329-T-A. GRCh37 (hg19) VCF-style: chr19-42854481-T-A.
Other names: c.2480T>A, p.Val827Glu (NM_001410.3); short protein forms V827E, V894E.
Identifiers: ClinVar variation 857357 (VCV000857357.7), dbSNP rs2039350288, ClinGen allele CA406099000.